The following is an entry in ClinVar:

ClinVar aggregate classification (germline): Benign/Likely benign. Review status: criteria provided, multiple submitters, no conflicts (2 of 4 stars). 6 submissions from 6 submitters: Benign (1); Likely benign (2). 3 of the submissions do not count toward it. Last evaluated 2026-01-16.

Conditions:
HPS3-related disorder. Also called: HPS3-related condition.
Hermansky-Pudlak syndrome (HPS). Also called: ALBINISM WITH HEMORRHAGIC DIATHESIS AND PIGMENTED RETICULOENDOTHELIAL CELLS. Identifiers: Orphanet 79430, MedGen C0079504, MONDO:0019312.
Hermansky-Pudlak syndrome 3 (HPS3). Identifiers: Orphanet 231512, Orphanet 79430, MedGen C3888001, MONDO:0013555, OMIM 614072.

Allele frequency attached by ClinVar (database versions not stated): gnomAD 0.00007 and 0.00023; TOPMed 0.00012; gnomAD exomes 0.00037 and 0.00064; ExAC 0.00068; 1000 Genomes Project 0.00120; 1000 Genomes Project 30x 0.00125.
gnomAD v4.1: 573 of 1,612,780 alleles (0.036%); highest among the groups gnomAD compares: South Asian, 0.46%; 6 homozygotes.

Submissions (6):

Labcorp Genetics (formerly Invitae), Labcorp
Classification: Benign. Last evaluated: 2026-01-16. Review status: criteria provided, single submitter. Criteria: Invitae Variant Classification Sherloc (09022015). Collection method: clinical testing. Allele origin: germline.

Blueprint Genetics
Classification: Likely benign. Last evaluated: 2024-10-23. Review status: criteria provided, single submitter. Criteria: ACMG Guidelines, 2015. Collection method: clinical testing. Allele origin: germline.

Illumina Laboratory Services, Illumina
Classification: Likely benign for Hermansky-Pudlak syndrome 3. Last evaluated: 2018-01-12. Review status: criteria provided, single submitter. Criteria: ICSL Variant Classification Criteria 13 December 2019. Collection method: clinical testing. Allele origin: germline.
Comment: This variant was observed in the ICSL laboratory as part of a predisposition screen in an ostensibly healthy population. It had not been previously curated by ICSL or reported in the Human Gene Mutation Database (HGMD: prior to June 1st, 2018), and was therefore a candidate for classification through an automated scoring system. Utilizing variant allele frequency, disease prevalence and penetrance estimates, and inheritance mode, an automated score was calculated to assess if this variant is too frequent to cause the disease. Based on the score and internal cut-off values, a variant classified as likely benign is not then subjected to further curation. The score for this variant resulted in a classification of likely benign for this disease.

PreventionGenetics, part of Exact Sciences
Classification: Likely benign for HPS3-related condition. Last evaluated: 2022-05-19. Review status: no assertion criteria provided. Collection method: clinical testing. Allele origin: germline. Not counted in ClinVar's aggregate classification.
Comment: This variant is classified as likely benign based on ACMG/AMP sequence variant interpretation guidelines (Richards et al. 2015 PMID: 25741868, with internal and published modifications).

Natera, Inc.
Classification: Benign for Hermansky-Pudlak syndrome. Last evaluated: 2020-01-30. Review status: no assertion criteria provided. Collection method: clinical testing. Allele origin: germline. Not counted in ClinVar's aggregate classification.

Department of Pathology and Laboratory Medicine, Sinai Health System
Classification: Uncertain significance. Review status: no assertion criteria provided. Collection method: clinical testing. Allele origin: unknown. Affected: yes. Study: The Canadian Open Genetics Repository (COGR). Not counted in ClinVar's aggregate classification.
Comment: The HPS3 p.Thr426Thr variant was not identified in the literature nor was it identified in ClinVar, Cosmic or LOVD 3.0. The variant was identified in dbSNP (ID: rs559550536) and in control databases in 163 of 282416 chromosomes (1 homozygous) at a frequency of 0.000577 increasing the likelihood this could be a low frequency benign variant (Genome Aggregation Database Feb 27, 2017). The variant was observed in the following populations: South Asian in 135 of 30612 chromosomes (freq: 0.00441), Other in 5 of 7208 chromosomes (freq: 0.000694), Latino in 5 of 35366 chromosomes (freq: 0.000141), African in 3 of 24960 chromosomes (freq: 0.00012), European (non-Finnish) in 13 of 128844 chromosomes (freq: 0.000101) and East Asian in 2 of 19948 chromosomes (freq: 0.0001); it was not observed in the Ashkenazi Jewish and European (Finnish) populations. The p.Thr426Thr variant is not expected to have clinical significance because it does not result in a change of amino acid and is not located in a known consensus splice site. Two of four in silico or computational prediction software programs (SpliceSiteFinder and MaxEntScan) predict a greater than 10% difference in splicing and the creation of a new 3' splice site; this is not very predictive of pathogenicity. In summary, based on the above information the clinical significance of this variant cannot be determined with certainty at this time. This variant is classified as a variant of uncertain significance.

NM_032383.5(HPS3):c.1773G>A (p.Thr591=)

Gene: HPS3 (HPS3 biogenesis of lysosomal organelles complex 2 subunit 1; plus strand). Cytogenetic location: 3q24.
Variant type: single nucleotide variant.
Coding change: c.1773G>A on transcript NM_032383.5 (MANE Select); coding-DNA position 1773, G replaced by A.
Protein change: p.Thr591=; no amino-acid change (threonine 591 retained).
Molecular consequence: synonymous variant.
Genome position (GRCh38, 1-based): chr3:149,158,747, G>A. VCF-style: chr3-149158747-G-A. GRCh37 (hg19) VCF-style: chr3-148876534-G-A.
Other names: c.1278G>A, p.Thr426= (NM_001308258.2).
Identifiers: ClinVar variation 740601 (VCV000740601.19), dbSNP rs559550536, ClinGen allele CA2660175.